The following is an entry in ClinVar:

ClinVar aggregate classification (germline): Uncertain significance. Review status: criteria provided, multiple submitters, no conflicts (2 of 4 stars). 2 submissions from 2 submitters: Uncertain significance (2). Last evaluated 2024-08-21.

Conditions:
Creatine transporter deficiency (CCDS1). Also called: CEREBRAL CREATINE DEFICIENCY SYNDROME 1; Creatine Transporter (CRTR) Deficiency; Mental retardation , X-linked with seizures, short stature and midface hypoplasia; Mental retardation , X-linked, with creatine transport deficiency; X-linked creatine transporter deficiency; X-linked creatine deficiency syndrome. Identifiers: Orphanet 52503, MedGen C1845862, MONDO:0010305, OMIM 300352.

Allele frequency attached by ClinVar (database versions not stated): gnomAD exomes below 0.00001; gnomAD 0.00001.
gnomAD v4.1: 5 of 1,024,037 alleles (0.00049%); highest among the groups gnomAD compares: Non-Finnish European, 0.00063%; no homozygotes.

Submissions (2):

Labcorp Genetics (formerly Invitae), Labcorp
Classification: Uncertain significance for Creatine transporter deficiency. Last evaluated: 2024-08-21. Review status: criteria provided, single submitter. Criteria: Invitae Variant Classification Sherloc (09022015). Collection method: clinical testing. Allele origin: germline.
Comment: This sequence change replaces lysine, which is basic and polar, with glutamic acid, which is acidic and polar, at codon 3 of the SLC6A8 protein (p.Lys3Glu). This variant is not present in population databases (gnomAD no frequency). This variant has not been reported in the literature in individuals affected with SLC6A8-related conditions. ClinVar contains an entry for this variant (Variation ID: 2571803). Invitae Evidence Modeling of protein sequence and biophysical properties (such as structural, functional, and spatial information, amino acid conservation, physicochemical variation, residue mobility, and thermodynamic stability) indicates that this missense variant is not expected to disrupt SLC6A8 protein function with a negative predictive value of 95%. In summary, the available evidence is currently insufficient to determine the role of this variant in disease. Therefore, it has been classified as a Variant of Uncertain Significance.

GeneDx
Classification: Uncertain significance. Last evaluated: 2024-07-23. Review status: criteria provided, single submitter. Criteria: GeneDx Variant Classification Process June 2021. Collection method: clinical testing. Allele origin: germline. Affected: yes.
Comment: Not observed at significant frequency in large population cohorts (gnomAD); In silico analysis indicates that this missense variant does not alter protein structure/function; Has not been previously published as pathogenic or benign to our knowledge

NM_005629.4(SLC6A8):c.7A>G (p.Lys3Glu)

Gene: SLC6A8 (solute carrier family 6 member 8; plus strand). Cytogenetic location: Xq28.
Variant type: single nucleotide variant.
Coding change: c.7A>G on transcript NM_005629.4 (MANE Select); coding-DNA position 7, A replaced by G.
Protein change: p.Lys3Glu; replaces lysine 3 with glutamic acid.
Molecular consequence: missense variant.
Genome position (GRCh38, 1-based): chrX:153,688,581, A>G. VCF-style: chrX-153688581-A-G. GRCh37 (hg19) VCF-style: chrX-152954036-A-G.
Other names: c.7A>G, p.Lys3Glu (NM_001142805.2); short protein forms K3E.
Identifiers: ClinVar variation 2571803 (VCV002571803.4), dbSNP rs2091435790, ClinGen allele CA415075853.